The following is an entry in ClinVar:

NM_176824.3(BBS7):c.950T>A (p.Leu317Gln)

Gene: BBS7 (Bardet-Biedl syndrome 7; minus strand). Cytogenetic location: 4q27.
Variant type: single nucleotide variant.
Coding change: c.950T>A on transcript NM_176824.3 (MANE Select); coding-DNA position 950, T replaced by A.
Protein change: p.Leu317Gln; replaces leucine 317 with glutamine.
Molecular consequence: missense variant.
Genome position (GRCh38, 1-based): chr4:121,847,491, A>T on the plus strand (T>A on the coding strand, the complement: BBS7 is on the minus strand). VCF-style: chr4-121847491-A-T. GRCh37 (hg19) VCF-style: chr4-122768646-A-T.
Other names: c.950T>A, p.Leu317Gln (NM_018190.4); short protein forms L317Q.
Identifiers: ClinVar variation 3347716 (VCV003347716.1).

ClinVar aggregate classification (germline): Uncertain significance (0 of 4 stars; one submission).

Conditions:
BBS7-related disorder. Also called: BBS7-related condition.

Submission:

PreventionGenetics, part of Exact Sciences
Classification: Uncertain significance for BBS7-related condition. Last evaluated: 2024-09-11. Review status: no assertion criteria provided. Collection method: clinical testing. Allele origin: germline.
Comment: The BBS7 c.950T>A variant is predicted to result in the amino acid substitution p.Leu317Gln. To our knowledge, this variant has not been reported in the literature or in a large population database, indicating this variant is rare. At this time, the clinical significance of this variant is uncertain due to the absence of conclusive functional and genetic evidence.